The following is an entry in ClinVar:

ClinVar aggregate classification (germline): Uncertain significance (1 of 4 stars; one submission).

Conditions:
Hereditary cancer-predisposing syndrome. Also called: Neoplastic Syndromes, Hereditary; Hereditary Cancer Syndrome; Tumor predisposition; Hereditary neoplastic syndrome. Identifiers: Orphanet 140162, MedGen C0027672, MeSH D009386, MONDO:0015356.

Submission:

Ambry Genetics
Classification: Uncertain significance for Hereditary cancer-predisposing syndrome. Last evaluated: 2025-01-17. Review status: criteria provided, single submitter. Criteria: Ambry Variant Classification Scheme 2023. Collection method: clinical testing. Allele origin: germline.
Comment: The p.G784S variant (also known as c.2350G>A), located in coding exon 18 of the POLD1 gene, results from a G to A substitution at nucleotide position 2350. The glycine at codon 784 is replaced by serine, an amino acid with similar properties. This amino acid position is conserved. In addition, this alteration is predicted to be tolerated by in silico analysis. Based on the available evidence, the clinical significance of this variant remains unclear.

NM_002691.4(POLD1):c.2350G>A (p.Gly784Ser)

Gene: POLD1 (DNA polymerase delta 1, catalytic subunit; plus strand). Cytogenetic location: 19q13.33.
Variant type: single nucleotide variant.
Coding change: c.2350G>A on transcript NM_002691.4 (MANE Select); coding-DNA position 2350, G replaced by A.
Protein change: p.Gly784Ser; replaces glycine 784 with serine.
Molecular consequence: missense variant. On other transcripts: non-coding transcript variant (1).
Genome position (GRCh38, 1-based): chr19:50,413,841, G>A. VCF-style: chr19-50413841-G-A. GRCh37 (hg19) VCF-style: chr19-50917098-G-A.
Other names: c.2350G>A, p.Gly784Ser (NM_001256849.1); c.2428G>A, p.Gly810Ser (NM_001308632.1); short protein forms G784S, G810S.
Identifiers: ClinVar variation 3781390 (VCV003781390.1).
Genomic context (GRCh38, chr19:50,413,841, plus strand): 5'-GGCGTGTCCTCGGTGGCTGAGGCGATGGCCCTGGGGCGGGAGGCCGCGGACTGGGTGTCA[G>A]GTCACTTCCCGTCGCCCATCCGGCTGGAGTTTGAGAAGGTGCGTGGCTGGGTCAGGGGCT-3'
Protein context (NP_002682.2, residues 774-794): LGREAADWVS[Gly784Ser]HFPSPIRLEF